The following is an entry in ClinVar:

NM_001042432.2(CLN3):c.726A>T (p.Glu242Asp)

Gene: CLN3 (CLN3 lysosomal/endosomal transmembrane protein, battenin; minus strand). Cytogenetic location: 16p12.1.
Variant type: single nucleotide variant.
Coding change: c.726A>T on transcript NM_001042432.2 (MANE Select); coding-DNA position 726, A replaced by T.
Protein change: p.Glu242Asp; replaces glutamic acid 242 with aspartic acid.
Molecular consequence: missense variant.
Genome position (GRCh38, 1-based): chr16:28,484,070, T>A on the plus strand (A>T on the coding strand, the complement: CLN3 is on the minus strand). VCF-style: chr16-28484070-T-A. GRCh37 (hg19) VCF-style: chr16-28495391-T-A.
Other names: c.726A>T, p.Glu242Asp (NM_000086.2); c.654A>T, p.Glu218Asp (NM_001286104.2); c.426A>T, p.Glu142Asp (NM_001286105.2); c.492A>T, p.Glu164Asp (NM_001286109.2); c.564A>T, p.Glu188Asp (NM_001286110.2); short protein forms E188D, E218D, E142D, E164D, E242D.
Identifiers: ClinVar variation 942563 (VCV000942563.9), dbSNP rs2046160396, ClinGen allele CA395344843.
Genomic context (GRCh38, chr16:28,484,070, plus strand): 5'-CTTCGACTCCGGGGCCTCGGTTCTTATGAGGGGCTGCCGGGCTGCGCTCTCTGCTTCTTC[T>A]TCCCCTCCAGGGTCCTGGGCCTCAGGAGATGTGAGCAACAAGAAATAGCTAGGAGTAGGA-3'
Protein context (NP_001035897.1, residues 232-252): TSPEAQDPGG[Glu242Asp]EEAESAARQP

ClinVar aggregate classification (germline): Uncertain significance (1 of 4 stars; one submission).

Conditions:
Neuronal ceroid lipofuscinosis. Also called: Neuronal Ceroid Lipofuscinoses. Identifiers: Orphanet 216, Orphanet 79263, MedGen C0027877, MONDO:0016295. Disease mechanism: loss of function.

Submission:

Labcorp Genetics (formerly Invitae), Labcorp
Classification: Uncertain significance for Neuronal ceroid lipofuscinosis. Last evaluated: 2024-02-17. Review status: criteria provided, single submitter. Criteria: Invitae Variant Classification Sherloc (09022015). Collection method: clinical testing. Allele origin: germline.
Comment: This sequence change replaces glutamic acid, which is acidic and polar, with aspartic acid, which is acidic and polar, at codon 242 of the CLN3 protein (p.Glu242Asp). This variant is not present in population databases (gnomAD no frequency). This variant has not been reported in the literature in individuals affected with CLN3-related conditions. ClinVar contains an entry for this variant (Variation ID: 942563). Advanced modeling of protein sequence and biophysical properties (such as structural, functional, and spatial information, amino acid conservation, physicochemical variation, residue mobility, and thermodynamic stability) performed at Invitae indicates that this missense variant is not expected to disrupt CLN3 protein function with a negative predictive value of 80%. In summary, the available evidence is currently insufficient to determine the role of this variant in disease. Therefore, it has been classified as a Variant of Uncertain Significance.